The following is an entry in ClinVar:

ClinVar aggregate classification (germline): Pathogenic (1 of 4 stars; one submission).

Submission:

Clinical Genomics Laboratory, Laboratory for Precision Diagnostics, University of Washington
Classification: Pathogenic. Last evaluated: 2016-03-29. Review status: criteria provided, single submitter. Criteria: Clinical Cytogenomics Laboratory Policy on CNV Interpretation. Collection method: clinical testing. Allele origin: unknown. Affected: yes. Observed: 1 variant allele.

Literature cited by the submitters: PubMed 8733044; PubMed 15310400; PubMed 25846895.

GRCh37/hg19 4q35.2(chr4:188498590-190915650)x1

Genes: FRG1 (FSHD region gene 1; plus strand), TRIML1 (tripartite motif family like 1; plus strand), TRIML2 (tripartite motif family like 2; minus strand), ZFP42 (ZFP42 zinc finger protein; plus strand). Cytogenetic location: 4q35.2.
Variant type: copy number loss.
Change: copy number 1 (one copy instead of two) of chr4:188,498,590-190,915,650 (2.42 Mb, GRCh37 coordinates, 1-based), cytogenetic band 4q35.2.
Identifiers: ClinVar variation 242851 (VCV000242851.2).